The following is an entry in ClinVar:

NM_024537.4(CARS2):c.164A>G (p.Tyr55Cys)

Genes: CARS2 (cysteinyl-tRNA synthetase 2, mitochondrial; minus strand), LOC130010127 (ATAC-STARR-seq lymphoblastoid silent region 5509; plus strand). Cytogenetic location: 13q34.
Variant type: single nucleotide variant.
Coding change: c.164A>G on transcript NM_024537.4 (MANE Select); coding-DNA position 164, A replaced by G.
Protein change: p.Tyr55Cys; replaces tyrosine 55 with cysteine.
Molecular consequence: missense variant. On other transcripts: non-coding transcript variant (1), intron variant (1).
Genome position (GRCh38, 1-based): chr13:110,705,930, T>C on the plus strand (A>G on the coding strand, the complement: CARS2 is on the minus strand). VCF-style: chr13-110705930-T-C. GRCh37 (hg19) VCF-style: chr13-111358277-T-C.
Other names: c.164A>G, p.Tyr55Cys (NM_001352253.3); c.-775-359A>G (NM_001352252.2); short protein forms Y55C.
Identifiers: ClinVar variation 2099929 (VCV002099929.4), dbSNP rs2502281908, ClinGen allele CA388743197.

ClinVar aggregate classification (germline): Uncertain significance (1 of 4 stars; one submission).

Conditions:
Combined oxidative phosphorylation defect type 27. Also called: Combined oxidative phosphorylation deficiency 27. Identifiers: Orphanet 477774, MedGen C5567608, MONDO:0014728, OMIM 616672.

Submission:

Labcorp Genetics (formerly Invitae), Labcorp
Classification: Uncertain significance for Combined oxidative phosphorylation defect type 27. Last evaluated: 2022-08-09. Review status: criteria provided, single submitter. Criteria: Invitae Variant Classification Sherloc (09022015). Collection method: clinical testing. Allele origin: germline.
Comment: Algorithms developed to predict the effect of sequence changes on RNA splicing suggest that this variant may create or strengthen a splice site. In summary, the available evidence is currently insufficient to determine the role of this variant in disease. Therefore, it has been classified as a Variant of Uncertain Significance. This sequence change replaces tyrosine, which is neutral and polar, with cysteine, which is neutral and slightly polar, at codon 55 of the CARS2 protein (p.Tyr55Cys). This variant is not present in population databases (gnomAD no frequency). This variant has not been reported in the literature in individuals affected with CARS2-related conditions. Algorithms developed to predict the effect of missense changes on protein structure and function are either unavailable or do not agree on the potential impact of this missense change (SIFT: "Deleterious"; PolyPhen-2: "Probably Damaging"; Align-GVGD: "Class C0").